The following is an entry in ClinVar:

NM_000132.4(F8):c.3619_3622del (p.His1207fs)

Gene: F8 (coagulation factor VIII; minus strand). Cytogenetic location: Xq28.
Variant type: Microsatellite.
Coding change: c.3619_3622del on transcript NM_000132.4 (MANE Select); coding-DNA positions 3619 to 3622, 4 bases deleted (CACA; older notation c.3619_3622delCACA).
Protein change: p.His1207fs; shifts the reading frame from histidine 1207.
Molecular consequence: frameshift variant.
Genome position (GRCh38, 1-based): chrX:154,930,168-154,930,171, TGTG deleted on the plus strand (CACA on the coding strand, the reverse complement: F8 is on the minus strand); deleting any 4 consecutive bases within chrX:154,930,168-154,930,174 gives the same sequence; the c. name uses the placement nearest the transcript's 3' end. VCF-style (leftmost placement, unchanged base first): chrX-154930167-TTGTG-T. GRCh37 (hg19) VCF-style: chrX-154158442-TTGTG-T.
Other names: short protein forms H1207fs.
Identifiers: ClinVar variation 3773851 (VCV003773851.2).

ClinVar aggregate classification (germline): Pathogenic/Likely pathogenic. Review status: criteria provided, multiple submitters, no conflicts (2 of 4 stars). 2 submissions from 2 submitters: Pathogenic (1); Likely pathogenic (1). Last evaluated 2025-01-02.

Conditions:
F8-related disorders.

Submissions (2):

GeneDx
Classification: Likely pathogenic. Last evaluated: 2025-01-02. Review status: criteria provided, single submitter. Criteria: GeneDx Variant Classification Process June 2021. Collection method: clinical testing. Allele origin: germline. Affected: yes.
Comment: Reported in a patient with hemophilia A in published literature; however clinical information was not provided (PMID: 33706050); Frameshift variant predicted to result in protein truncation or nonsense mediated decay in a gene for which loss of function is a known mechanism of disease; Not observed at significant frequency in large population cohorts (gnomAD); This variant is associated with the following publications: (PMID: 8644728, 33706050)

Rady Children's Institute for Genomic Medicine, Rady Children's Hospital San Diego
Classification: Pathogenic for F8-related disorders. Last evaluated: 2023-11-03. Review status: criteria provided, single submitter. Criteria: ACMG Guidelines, 2015. Collection method: clinical testing. Allele origin: germline. Affected: yes.
Comment: This frameshifting variant in exon 14 of 26 is predicted to result in loss of normal protein function through either protein truncation or nonsense-mediated mRNA decay. Loss-of-function variation in F8 is an established mechanism of disease (PMID: 7728145). This variant has been previously reported as a hemizygous change in patients with Hemophilia A (PMID: 8644728, 33706050). The c.3619_3622del (p.His1207IlefsTer10) variant is absent from the gnomAD population database and thus is presumed to be rare. Based on the available evidence, c.3619_3622del (p.His1207IlefsTer10) is classified as Pathogenic.

Literature cited by the submitters: PubMed 7728145 (cited by Rady Children's Institute for Genomic Medicine, Rady Children's Hospital San Diego); 8644728 (cited by Rady Children's Institute for Genomic Medicine, Rady Children's Hospital San Diego); 33706050 (cited by Rady Children's Institute for Genomic Medicine, Rady Children's Hospital San Diego).